The following is an entry in ClinVar:

NM_001145678.3(KIAA0825):c.1227G>A (p.Glu409=)

Gene: KIAA0825 (KIAA0825; minus strand). Cytogenetic location: 5q15.
Variant type: single nucleotide variant.
Coding change: c.1227G>A on transcript NM_001145678.3 (MANE Select); coding-DNA position 1227, G replaced by A.
Protein change: p.Glu409=; no amino-acid change (glutamic acid 409 retained).
Molecular consequence: synonymous variant. On other transcripts: non-coding transcript variant (1).
Genome position (GRCh38, 1-based): chr5:94,477,111, C>T on the plus strand (G>A on the coding strand, the complement: KIAA0825 is on the minus strand). VCF-style: chr5-94477111-C-T. GRCh37 (hg19) VCF-style: chr5-93812816-C-T.
Other names: NC_000005.9:g.93812816C>T; c.1227G>A, p.Glu409= (NM_001385712.1, NM_001385713.1, NM_001388325.1).
Identifiers: ClinVar variation 3042151 (VCV003042151.5), dbSNP rs77179804, ClinGen allele CA3344158.
Genomic context (GRCh38, chr5:94,477,111, plus strand): 5'-TCACAGGCATATGATGATATTATATGTGAATTATAAAACACTTCTTTTTCCTTCACTTAC[C>T]TCTTTTCCTGGTAGTGATTGCTCGGAAGGAATATTGGTTTCGTTTGCTCTAGGTTTTTCC-3'
Protein context (NP_001139150.1, residues 399-419): IPSEQSLPGK[Glu409=]ATLLDFGWRS

ClinVar aggregate classification (germline): Likely benign. Review status: criteria provided, single submitter (1 of 4 stars). 2 submissions from 2 submitters: Likely benign (1). 1 of the submissions does not count toward it. Last evaluated 2026-06-01.

Conditions:
KIAA0825-related disorder. Also called: KIAA0825-related condition.

Allele frequency attached by ClinVar (database versions not stated): 1000 Genomes Project 30x 0.00390; 1000 Genomes Project 0.00399; ExAC 0.00482; gnomAD 0.00494; TOPMed 0.00517; ESP Exome Variant Server 0.00613; gnomAD exomes 0.00632.
gnomAD v4.1: 9,595 of 1,548,052 alleles (0.62%); highest among the groups gnomAD compares: Middle Eastern, 2.3%; 47 homozygotes.

Submissions (4):

CeGaT Center for Human Genetics Tuebingen
Classification: Likely benign. Last evaluated: 2026-06-01. Review status: criteria provided, single submitter. Criteria: CeGaT Center For Human Genetics Tuebingen Variant Classification Criteria Version 2. Collection method: clinical testing. Allele origin: germline. Affected: yes. Observed: 1 variant allele.
Comment: KIAA0825: BP4, BS2

PreventionGenetics, part of Exact Sciences
Classification: Benign for KIAA0825-related condition. Last evaluated: 2019-11-25. Review status: no assertion criteria provided. Collection method: clinical testing. Allele origin: germline. Not counted in ClinVar's aggregate classification.
Comment: This variant is classified as benign based on ACMG/AMP sequence variant interpretation guidelines (Richards et al. 2015 PMID: 25741868, with internal and published modifications).

Dr. Peter K. Rogan Lab, Western University
No classification provided (evidence only). Condition: Clear cell carcinoma of kidney. Review status: no classification provided. Collection method: in vitro. Allele origin: not applicable. Functional consequence: retained intron. Not counted in ClinVar's aggregate classification.

Dr. Peter K. Rogan Lab, Western University
No classification provided (evidence only). Condition: Clear cell carcinoma of kidney. Review status: no classification provided. Collection method: in vitro. Allele origin: not applicable. Functional consequence: retained intron. Not counted in ClinVar's aggregate classification.